The following is an entry in ClinVar:

NM_006206.6(PDGFRA):c.821C>G (p.Thr274Ser)

Gene: PDGFRA (platelet derived growth factor receptor alpha; plus strand). Cytogenetic location: 4q12.
Variant type: single nucleotide variant.
Coding change: c.821C>G on transcript NM_006206.6 (MANE Select); coding-DNA position 821, C replaced by G.
Protein change: p.Thr274Ser; replaces threonine 274 with serine.
Molecular consequence: missense variant.
Genome position (GRCh38, 1-based): chr4:54,267,350, C>G. VCF-style: chr4-54267350-C-G. GRCh37 (hg19) VCF-style: chr4-55133517-C-G.
Other names: c.821C>G, p.Thr274Ser (NM_001347827.2, NM_001347829.2); c.896C>G, p.Thr299Ser (NM_001347828.2); c.860C>G, p.Thr287Ser (NM_001347830.2); short protein forms T274S, T287S, T299S.
Identifiers: ClinVar variation 843643 (VCV000843643.11), dbSNP rs758194640, ClinGen allele CA2922399.

ClinVar aggregate classification (germline): Conflicting classifications of pathogenicity. Review status: criteria provided, conflicting classifications (1 of 4 stars). 4 submissions from 4 submitters: Uncertain significance (3); Benign (1). Last evaluated 2025-08-05.

Conditions:
Hereditary cancer-predisposing syndrome. Also called: Neoplastic Syndromes, Hereditary; Tumor predisposition; Hereditary Cancer Syndrome; Hereditary neoplastic syndrome. Identifiers: Orphanet 140162, MedGen C0027672, MeSH D009386, MONDO:0015356.
Gastrointestinal stromal tumor. Also called: Gastrointestinal stromal tumor, somatic; Gastrointestinal stroma tumor. Identifiers: Orphanet 44890, MedGen C0238198, MeSH D046152, MONDO:0011719, OMIM 606764, HP:0100723.

Allele frequency attached by ClinVar (database versions not stated): TOPMed below 0.00001; ExAC 0.00001; gnomAD 0.00001; gnomAD exomes 0.00002.
gnomAD v4.1: 7 of 1,614,010 alleles (0.00043%); highest among the groups gnomAD compares: Admixed American, 0.012%; no homozygotes.

Submissions (4):

Labcorp Genetics (formerly Invitae), Labcorp
Classification: Uncertain significance for Gastrointestinal stromal tumor. Last evaluated: 2025-08-05. Review status: criteria provided, single submitter. Criteria: Invitae Variant Classification Sherloc (09022015). Collection method: clinical testing. Allele origin: germline.
Comment: This sequence change replaces threonine, which is neutral and polar, with serine, which is neutral and polar, at codon 274 of the PDGFRA protein (p.Thr274Ser). This variant is present in population databases (rs758194640, gnomAD 0.01%). This variant has not been reported in the literature in individuals affected with PDGFRA-related conditions. ClinVar contains an entry for this variant (Variation ID: 843643). Invitae Evidence Modeling of protein sequence and biophysical properties (such as structural, functional, and spatial information, amino acid conservation, physicochemical variation, residue mobility, and thermodynamic stability) indicates that this missense variant is not expected to disrupt PDGFRA protein function with a negative predictive value of 80%. In summary, the available evidence is currently insufficient to determine the role of this variant in disease. Therefore, it has been classified as a Variant of Uncertain Significance.

Ambry Genetics
Classification: Benign for Hereditary cancer-predisposing syndrome. Last evaluated: 2024-08-20. Review status: criteria provided, single submitter. Criteria: Ambry Variant Classification Scheme 2023. Collection method: clinical testing. Allele origin: germline.

GeneDx
Classification: Uncertain significance. Last evaluated: 2023-11-14. Review status: criteria provided, single submitter. Criteria: GeneDx Variant Classification Process June 2021. Collection method: clinical testing. Allele origin: germline. Affected: yes.
Comment: Not observed at significant frequency in large population cohorts (gnomAD); In silico analysis supports that this missense variant does not alter protein structure/function; Has not been previously published as pathogenic or benign to our knowledge

Baylor Genetics
Classification: Uncertain significance for Gastrointestinal stromal tumor. Last evaluated: 2021-01-13. Review status: criteria provided, single submitter. Criteria: ACMG Guidelines, 2015. Collection method: clinical testing. Allele origin: unknown. Affected: yes. Study: CSER-TexasKidsCanSeq.
Comment: This variant was determined to be of uncertain significance according to ACMG Guidelines, 2015 [PMID:25741868].